The following is an entry in ClinVar:

NM_001256715.2(DNAAF3):c.1109_1110del (p.Leu370fs)

Genes: DNAAF3 (dynein axonemal assembly factor 3; minus strand), DNAAF3-AS1 (DNAAF3 antisense RNA 1; plus strand). Cytogenetic location: 19q13.42.
Variant type: Microsatellite.
Coding change: c.1109_1110del on transcript NM_001256715.2 (MANE Select); coding-DNA positions 1109 to 1110, 2 bases deleted (TC; older notation c.1109_1110delTC).
Protein change: p.Leu370fs; shifts the reading frame from leucine 370.
Molecular consequence: frameshift variant.
Genome position (GRCh38, 1-based): chr19:55,159,952-55,159,953, GA deleted on the plus strand (TC on the coding strand, the reverse complement: DNAAF3 is on the minus strand); deleting any 2 consecutive bases within chr19:55,159,952-55,159,956 gives the same sequence; the c. name uses the placement nearest the transcript's 3' end. VCF-style (leftmost placement, unchanged base first): chr19-55159951-GGA-G. GRCh37 (hg19) VCF-style: chr19-55671319-GGA-G.
Other names: c.1310_1311del, p.Leu437fs (NM_001256714.1); c.947_948del, p.Leu316fs (NM_001256716.2); c.1250_1251del, p.Leu417fs (NM_178837.4); short protein forms L370fs, L417fs, L437fs, L316fs.
Identifiers: ClinVar variation 858384 (VCV000858384.8), dbSNP rs2085791151, ClinGen allele CA916081954.

ClinVar aggregate classification (germline): Pathogenic (1 of 4 stars; one submission).

Conditions:
Primary ciliary dyskinesia. Also called: Ciliary dyskinesia. Identifiers: Orphanet 244, MedGen C0008780, MONDO:0016575, HP:0012265.

Submission:

Labcorp Genetics (formerly Invitae), Labcorp
Classification: Pathogenic for Primary ciliary dyskinesia. Last evaluated: 2019-01-28. Review status: criteria provided, single submitter. Criteria: Invitae Variant Classification Sherloc (09022015). Collection method: clinical testing. Allele origin: germline.
Comment: This variant is not present in population databases (ExAC no frequency). This sequence change creates a premature translational stop signal (p.Leu437Profs*26) in the DNAAF3 gene. It is expected to result in an absent or disrupted protein product. This variant has not been reported in the literature in individuals with DNAAF3-related conditions. For these reasons, this variant has been classified as Pathogenic. Loss-of-function variants in DNAAF3 are known to be pathogenic (PMID: 22387996).

Literature cited by the submitters: PubMed 22387996.